The following is an entry in ClinVar:

NM_000327.4(ROM1):c.713del (p.Leu238fs)

Gene: ROM1 (retinal outer segment membrane protein 1; plus strand). Cytogenetic location: 11q12.3.
Variant type: Deletion.
Coding change: c.713del on transcript NM_000327.4 (MANE Select); coding-DNA position 713, one base deleted (T; older notation c.713delT).
Protein change: p.Leu238fs; shifts the reading frame from leucine 238.
Molecular consequence: frameshift variant.
Genome position (GRCh38, 1-based): chr11:62,614,380, T deleted. VCF-style (leftmost placement, unchanged base first): chr11-62614379-CT-C. GRCh37 (hg19) VCF-style: chr11-62381851-CT-C.
Other names: short protein forms L238fs.
Identifiers: ClinVar variation 938498 (VCV000938498.9), dbSNP rs777268202, ClinGen allele CA6049820.

ClinVar aggregate classification (germline): Uncertain significance (1 of 4 stars; one submission).

Allele frequency attached by ClinVar (database versions not stated): ExAC 0.00001; gnomAD exomes 0.00001 and 0.00002; gnomAD 0.00003; TOPMed 0.00005.

Submission:

Labcorp Genetics (formerly Invitae), Labcorp
Classification: Uncertain significance. Last evaluated: 2025-05-12. Review status: criteria provided, single submitter. Criteria: Invitae Variant Classification Sherloc (09022015). Collection method: clinical testing. Allele origin: germline.
Comment: This sequence change creates a premature translational stop signal (p.Leu238Argfs*78) in the ROM1 gene. While this is not anticipated to result in nonsense mediated decay, it is expected to disrupt the last 114 amino acid(s) of the ROM1 protein. This variant is present in population databases (rs777268202, gnomAD 0.01%). This variant has not been reported in the literature in individuals affected with ROM1-related conditions. ClinVar contains an entry for this variant (Variation ID: 938498). Experimental studies and prediction algorithms are not available or were not evaluated, and the functional significance of this variant is currently unknown. In summary, the available evidence is currently insufficient to determine the role of this variant in disease. Therefore, it has been classified as a Variant of Uncertain Significance.